The following is an entry in ClinVar:

ClinVar aggregate classification (germline): Likely benign. Review status: criteria provided, multiple submitters, no conflicts (2 of 4 stars). 2 submissions from 2 submitters: Likely benign (2). Last evaluated 2024-01-25.

Allele frequency attached by ClinVar (database versions not stated): ExAC 0.00001; gnomAD 0.00001; gnomAD exomes 0.00001.

Submissions (2):

Labcorp Genetics (formerly Invitae), Labcorp
Classification: Likely benign. Last evaluated: 2024-01-25. Review status: criteria provided, single submitter. Criteria: Invitae Variant Classification Sherloc (09022015). Collection method: clinical testing. Allele origin: germline.

CeGaT Center for Human Genetics Tuebingen
Classification: Likely benign. Last evaluated: 2022-09-01. Review status: criteria provided, single submitter. Criteria: CeGaT Center For Human Genetics Tuebingen Variant Classification Criteria Version 2. Collection method: clinical testing. Allele origin: germline. Affected: yes. Observed: 1 variant allele.
Comment: AVPR2: BP4, BP7

NM_000054.7(AVPR2):c.642C>T (p.Phe214=)

Gene: AVPR2 (arginine vasopressin receptor 2; plus strand). Cytogenetic location: Xq28.
Variant type: single nucleotide variant.
Coding change: c.642C>T on transcript NM_000054.7 (MANE Select); coding-DNA position 642, C replaced by T.
Protein change: p.Phe214=; no amino-acid change (phenylalanine 214 retained).
Molecular consequence: synonymous variant. On other transcripts: non-coding transcript variant (1).
Genome position (GRCh38, 1-based): chrX:153,906,148, C>T. VCF-style: chrX-153906148-C-T. GRCh37 (hg19) VCF-style: chrX-153171602-C-T.
Other names: c.642C>T, p.Phe214= (NM_001146151.3).
Identifiers: ClinVar variation 2661743 (VCV002661743.27), dbSNP rs782450624, ClinGen allele CA10555039.